The following is an entry in ClinVar:

NM_001368809.2(AMPD2):c.1861A>G (p.Arg621Gly)

Gene: AMPD2 (adenosine monophosphate deaminase 2; plus strand). Cytogenetic location: 1p13.3.
Variant type: single nucleotide variant.
Coding change: c.1861A>G on transcript NM_001368809.2 (MANE Select); coding-DNA position 1861, A replaced by G.
Protein change: p.Arg621Gly; replaces arginine 621 with glycine.
Molecular consequence: missense variant.
Genome position (GRCh38, 1-based): chr1:109,629,489, A>G. VCF-style: chr1-109629489-A-G. GRCh37 (hg19) VCF-style: chr1-110172111-A-G.
Other names: c.2023A>G (NM_004037.6); c.2023A>G, p.Arg675Gly (NM_001257360.2); c.1669A>G, p.Arg557Gly (NM_001257361.2); c.1798A>G, p.Arg600Gly (NM_001308170.1); c.1861A>G, p.Arg621Gly (NM_004037.9); c.1780A>G, p.Arg594Gly (NM_139156.4); short protein forms R557G, R594G, R621G, R675G, R600G.
Identifiers: ClinVar variation 2047802 (VCV002047802.3), dbSNP rs768974976, ClinGen allele CA993201.
Genomic context (GRCh38, chr1:109,629,489, plus strand): 5'-CCCTATGCCTACTACCTGTACTACACCTTTGCCAACATGGCCATGTTGAACCACCTGCGC[A>G]GGTGCCTGCACCACCCTGTGTCTGCTTGCTATGCCATCTCTCGCCCAACAAACCTCACTC-3'
Protein context (NP_001355738.1, residues 611-631): ANMAMLNHLR[Arg621Gly]QRGFHTFVLR

ClinVar aggregate classification (germline): Uncertain significance. Review status: criteria provided, multiple submitters, no conflicts (2 of 4 stars). 2 submissions from 2 submitters: Uncertain significance (2). Last evaluated 2024-06-02.

Conditions:
Pontocerebellar hypoplasia type 9. Identifiers: Orphanet 369920, MedGen C4014354, MONDO:0014351, OMIM 615809.
Hereditary spastic paraplegia 63. Also called: Spastic paraplegia 63, autosomal recessive. Identifiers: Orphanet 401805, MedGen C3810295, MONDO:0014305, OMIM 615686.
Inborn genetic diseases. Identifiers: MedGen C0950123, MeSH D030342.

Allele frequency attached by ClinVar (database versions not stated): ExAC 0.00001; gnomAD 0.00001; gnomAD exomes 0.00001; TOPMed 0.00002.
gnomAD v4.1: 16 of 1,613,198 alleles (0.00099%); highest among the groups gnomAD compares: Non-Finnish European, 0.0014%; no homozygotes.

Submissions (3):

Ambry Genetics
Classification: Uncertain significance for Inborn genetic diseases. Last evaluated: 2024-06-02. Review status: criteria provided, single submitter. Criteria: Ambry Variant Classification Scheme 2023. Collection method: clinical testing. Allele origin: germline.

Labcorp Genetics (formerly Invitae), Labcorp
Classification: Uncertain significance for Pontocerebellar hypoplasia type 9; Hereditary spastic paraplegia 63. Last evaluated: 2022-04-16. Review status: criteria provided, single submitter. Criteria: Invitae Variant Classification Sherloc (09022015). Collection method: clinical testing. Allele origin: germline.
Comment: This sequence change replaces arginine, which is basic and polar, with glycine, which is neutral and non-polar, at codon 675 of the AMPD2 protein (p.Arg675Gly). This variant is present in population databases (rs768974976, gnomAD 0.003%). This variant has not been reported in the literature in individuals affected with AMPD2-related conditions. Algorithms developed to predict the effect of missense changes on protein structure and function are either unavailable or do not agree on the potential impact of this missense change (SIFT: "Tolerated"; PolyPhen-2: "Possibly Damaging"; Align-GVGD: "Class C0"). Algorithms developed to predict the effect of sequence changes on RNA splicing suggest that this variant may disrupt the consensus splice site. In summary, the available evidence is currently insufficient to determine the role of this variant in disease. Therefore, it has been classified as a Variant of Uncertain Significance.

Dr. Peter K. Rogan Lab, Western University
No classification provided (evidence only). Condition: Thyroid cancer, nonmedullary, 1. Review status: no classification provided. Collection method: in vitro. Allele origin: not applicable. Functional consequence: skipped exon, retained intron. Not counted in ClinVar's aggregate classification.